The following is an entry in ClinVar:

ClinVar aggregate classification (germline): Benign/Likely benign. Review status: criteria provided, multiple submitters, no conflicts (2 of 4 stars). 7 submissions from 7 submitters: Benign (2); Likely benign (5). Last evaluated 2026-03-01.

Conditions:
Hypertrophic cardiomyopathy. Also called: HYPERTROPHIC MYOCARDIOPATHY. Identifiers: Orphanet 217569, MedGen C0007194, MeSH D002312, MONDO:0005045, HP:0001639.
Cardiovascular phenotype. Identifiers: MedGen CN230736.

Allele frequency attached by ClinVar (database versions not stated): ESP Exome Variant Server 0.00023; TOPMed 0.00028; gnomAD 0.00046; 1000 Genomes Project 0.00100; 1000 Genomes Project 30x 0.00109.
gnomAD v4.1: 331 of 1,607,916 alleles (0.021%); highest among the groups gnomAD compares: Admixed American, 0.47%; 1 homozygote.

Submissions (7):

CeGaT Center for Human Genetics Tuebingen
Classification: Likely benign. Last evaluated: 2026-03-01. Review status: criteria provided, single submitter. Criteria: CeGaT Center For Human Genetics Tuebingen Variant Classification Criteria Version 2. Collection method: clinical testing. Allele origin: germline. Affected: yes. Observed: 1 variant allele.
Comment: JPH2: BP4, BP7

Labcorp Genetics (formerly Invitae), Labcorp
Classification: Benign for Hypertrophic cardiomyopathy. Last evaluated: 2025-12-29. Review status: criteria provided, single submitter. Criteria: Invitae Variant Classification Sherloc (09022015). Collection method: clinical testing. Allele origin: germline.

Molecular Diagnostic Laboratory for Inherited Cardiovascular Disease, Montreal Heart Institute
Classification: Likely benign. Last evaluated: 2025-04-09. Review status: criteria provided, single submitter. Criteria: ACMG Guidelines, 2015. Collection method: clinical testing. Allele origin: germline. Affected: no.

Blueprint Genetics
Classification: Likely benign. Last evaluated: 2024-10-03. Review status: criteria provided, single submitter. Criteria: ACMG Guidelines, 2015. Collection method: clinical testing. Allele origin: germline.

Women's Health and Genetics/Laboratory Corporation of America, LabCorp
Classification: Benign. Last evaluated: 2023-08-19. Review status: criteria provided, single submitter. Criteria: LabCorp Variant Classification Summary - May 2015. Collection method: clinical testing. Allele origin: germline.

GeneDx
Classification: Likely benign. Last evaluated: 2021-05-27. Review status: criteria provided, single submitter. Criteria: GeneDx Variant Classification Process June 2021. Collection method: clinical testing. Allele origin: germline. Affected: yes.

Ambry Genetics
Classification: Likely benign for Cardiovascular phenotype. Last evaluated: 2017-04-26. Review status: criteria provided, single submitter. Criteria: Ambry Variant Classification Scheme 2023. Collection method: clinical testing. Allele origin: germline.

NM_020433.5(JPH2):c.1137C>A (p.Ile379=)

Gene: JPH2 (junctophilin 2; minus strand). Cytogenetic location: 20q13.12.
Variant type: single nucleotide variant.
Coding change: c.1137C>A on transcript NM_020433.5 (MANE Select); coding-DNA position 1137, C replaced by A.
Protein change: p.Ile379=; no amino-acid change (isoleucine 379 retained).
Molecular consequence: synonymous variant.
Genome position (GRCh38, 1-based): chr20:44,159,650, G>T on the plus strand (C>A on the coding strand, the complement: JPH2 is on the minus strand). VCF-style: chr20-44159650-G-T. GRCh37 (hg19) VCF-style: chr20-42788290-G-T.
Identifiers: ClinVar variation 384449 (VCV000384449.22), dbSNP rs143158930, ClinGen allele CA9868741.